The following is an entry in ClinVar:

ClinVar aggregate classification (germline): Conflicting classifications of pathogenicity. Review status: criteria provided, conflicting classifications (1 of 4 stars). 2 submissions from 2 submitters: Uncertain significance (1); Likely benign (1). Last evaluated 2024-01-18.

Conditions:
Carnitine palmitoyl transferase 1A deficiency. Also called: Carnitine palmitoyltransferase 1A deficiency; Carnitine palmitoyltransferase type I deficiency; CPT deficiency, hepatic, type IA; CPT I DEFICIENCY; CPT DEFICIENCY, HEPATIC, TYPE I. Identifiers: Orphanet 156, MedGen C1829703, MONDO:0009705, OMIM 255120.

Allele frequency attached by ClinVar (database versions not stated): gnomAD 0.00001; gnomAD exomes 0.00002; ExAC 0.00005.
gnomAD v4.1: 31 of 1,614,094 alleles (0.0019%); highest among the groups gnomAD compares: South Asian, 0.033%; no homozygotes.

Submissions (2):

Labcorp Genetics (formerly Invitae), Labcorp
Classification: Likely benign for Carnitine palmitoyl transferase 1A deficiency. Last evaluated: 2024-01-18. Review status: criteria provided, single submitter. Criteria: Invitae Variant Classification Sherloc (09022015). Collection method: clinical testing. Allele origin: germline.

Neuberg Centre For Genomic Medicine, NCGM
Classification: Uncertain significance for Carnitine palmitoyl transferase 1A deficiency. Review status: criteria provided, single submitter. Criteria: ACMG Guidelines, 2015. Collection method: clinical testing. Allele origin: germline. Inheritance: Autosomal recessive inheritance. Affected: yes.
Comment: The missense c.417G>C (p.Glu139Asp) variant in CPT1A gene has not been reported previously as a pathogenic variant nor as a benign variant, to our knowledge. The p.Glu139Asp variant is present with allele frequency of 0.002% in gnomAD Exomes. This variant has not been submitted to the ClinVar database. Multiple lines of computational evidence (Polyphen - Probably damaging, SIFT – Damaging and Mutation Taster - Disease causing) predict a damaging effect on protein structure and function for this variant. The reference amino acid at this position on CPT1A gene is predicted as conserved by GERP++ and PhyloP across 100 vertebrates. The amino acid Glu at position 139 is changed to a Asp changing protein sequence and it might alter its composition and physico-chemical properties. For these reasons, this variant has been classified as Variant of Uncertain Significance (VUS).

NM_001876.4(CPT1A):c.417G>C (p.Glu139Asp)

Gene: CPT1A (carnitine palmitoyltransferase 1A; minus strand). Cytogenetic location: 11q13.3.
Variant type: single nucleotide variant.
Coding change: c.417G>C on transcript NM_001876.4 (MANE Select); coding-DNA position 417, G replaced by C.
Protein change: p.Glu139Asp; replaces glutamic acid 139 with aspartic acid.
Molecular consequence: missense variant.
Genome position (GRCh38, 1-based): chr11:68,807,503, C>G on the plus strand (G>C on the coding strand, the complement: CPT1A is on the minus strand). VCF-style: chr11-68807503-C-G. GRCh37 (hg19) VCF-style: chr11-68574971-C-G.
Other names: c.417G>C, p.Glu139Asp (NM_001031847.3); short protein forms E139D.
Identifiers: ClinVar variation 2730912 (VCV002730912.4), dbSNP rs767840321, ClinGen allele CA6152689.
Genomic context (GRCh38, chr11:68,807,503, plus strand): 5'-ACAGCCAGAGGGACACGCAATTACCATCCAGATCTTGGTGGCACGACTCATCTTGCCGTG[C>G]TCAGTGAACATCCACCCGTGGTAGGAGAGCAGCACTTTCAGGGAGTAGCGCATGGTGACG-3'
Protein context (NP_001867.2, residues 129-149): LLSYHGWMFT[Glu139Asp]HGKMSRATKI